The following is an entry in ClinVar:

GRCh38/hg38 22q11.21(chr22:18339130-21086225)x3

Genes: LRRC74B (leucine rich repeat containing 74B; plus strand), LRRC74BNL (LRRC74B N-terminal like; minus strand), LZTR1 (leucine zipper like post translational regulator 1; plus strand), MED15 (mediator complex subunit 15; plus strand), MIR1286 (microRNA 1286; minus strand) and 185 more. Cytogenetic location: 22q11.21.
Variant type: copy number gain.
Change: copy number 3 (three copies instead of two) of chr22:18,339,130-21,086,225 (2.75 Mb, GRCh38 coordinates, 1-based), cytogenetic band 22q11.21.
Identifiers: ClinVar variation 58193 (VCV000058193.1).

ClinVar aggregate classification (germline): Pathogenic (1 of 4 stars; one submission).

Submission:

ISCA site 15
Classification: Pathogenic. Last evaluated: 2011-08-12. Review status: criteria provided, single submitter. Criteria: Kaminsky et al. (Genet Med. 2011). Collection method: clinical testing. Allele origin: paternal. Affected: yes. Observed: 1 variant allele.
Comment: Copy number variation identified through the course of routine clinical cytogenomic testing in postnatal populations. Clinical assertions have been curated as described in Kaminsky et al. 2011.